The following is an entry in ClinVar:

NM_000152.5(GAA):c.-103G>A

Gene: GAA (alpha glucosidase; plus strand). Cytogenetic location: 17q25.3.
Variant type: single nucleotide variant.
Coding change: c.-103G>A on transcript NM_000152.5 (MANE Select); 103 bases upstream of the start codon, G replaced by A.
Molecular consequence: 5 prime UTR variant. On other transcripts: non-coding transcript variant (1), intron variant (1).
Genome position (GRCh38, 1-based): chr17:80,101,820, G>A. VCF-style: chr17-80101820-G-A. GRCh37 (hg19) VCF-style: chr17-78075619-G-A.
Other names: c.-103G>A (NM_001079803.3); c.-33+195G>A (NM_001079804.3).
Identifiers: ClinVar variation 669043 (VCV000669043.1), dbSNP rs1598564555, ClinGen allele CA915952246.
Genomic context (GRCh38, chr17:80,101,820, plus strand): 5'-AGCAGGTAGGACAGTGACCTCGGTGACGCGAAGGACCCCGGCCACCTCTAGGTTCTCCTC[G>A]TCCGCCCGTTGTTCAGCGAGGGAGGCTCTGCGCGTGCCGCAGCTGACGGGGAAACTGAGG-3'

ClinVar aggregate classification (germline): Likely benign (1 of 4 stars; one submission).

Submission:

GeneDx
Classification: Likely benign. Last evaluated: 2018-06-05. Review status: criteria provided, single submitter. Criteria: GeneDx Variant Classification (06012015). Collection method: clinical testing. Allele origin: germline. Affected: yes.
Comment: This variant is considered likely benign or benign based on one or more of the following criteria: it is a conservative change, it occurs at a poorly conserved position in the protein, it is predicted to be benign by multiple in silico algorithms, and/or has population frequency not consistent with disease.